The following is an entry in ClinVar:

NM_006393.3(NEBL):c.2644C>T (p.Arg882Ter)

Gene: NEBL (nebulette; minus strand). Cytogenetic location: 10p12.31.
Variant type: single nucleotide variant.
Coding change: c.2644C>T on transcript NM_006393.3 (MANE Select); coding-DNA position 2644, C replaced by T.
Protein change: p.Arg882Ter; replaces arginine 882 with a stop codon.
Molecular consequence: nonsense. On other transcripts: intron variant (9).
Genome position (GRCh38, 1-based): chr10:20,808,627, G>A on the plus strand (C>T on the coding strand, the complement: NEBL is on the minus strand). VCF-style: chr10-20808627-G-A. GRCh37 (hg19) VCF-style: chr10-21097556-G-A.
Other names: p.R882*:CGA>TGA; c.421+4142C>T (NM_001377326.1, NM_001377327.1, NM_001377328.1); c.529+4142C>T (NM_213569.2, NM_001173484.2); c.622+1179C>T (NM_001377322.1); c.472+4142C>T (NM_001377324.1); c.463+4142C>T (NM_001377325.1); c.481+4142C>T (NM_001377323.1); short protein forms R882*.
Identifiers: ClinVar variation 201910 (VCV000201910.10), dbSNP rs151012132, ClinGen allele CA335373.

ClinVar aggregate classification (germline): Uncertain significance. Review status: criteria provided, multiple submitters, no conflicts (2 of 4 stars). 2 submissions from 2 submitters: Uncertain significance (2). Last evaluated 2025-12-16.

Conditions:
Primary dilated cardiomyopathy (DCM). Also called: Dilated Cardiomyopathy. Identifiers: Orphanet 217604, MedGen C0007193, MeSH D002311, MONDO:0005021, HP:0001644. Inheritance: Various modes of inheritance.

Allele frequency attached by ClinVar (database versions not stated): ExAC 0.00002; gnomAD 0.00003; gnomAD exomes 0.00003; TOPMed 0.00005; ESP Exome Variant Server 0.00008; 1000 Genomes Project 30x 0.00016; 1000 Genomes Project 0.00020.
gnomAD v4.1: 25 of 1,613,356 alleles (0.0015%); highest among the groups gnomAD compares: East Asian, 0.0089%; no homozygotes.

Submissions (2):

Labcorp Genetics (formerly Invitae), Labcorp
Classification: Uncertain significance for Primary dilated cardiomyopathy. Last evaluated: 2025-12-16. Review status: criteria provided, single submitter. Criteria: Invitae Variant Classification Sherloc (09022015). Collection method: clinical testing. Allele origin: germline.
Comment: This sequence change creates a premature translational stop signal (p.Arg882*) in the NEBL gene. It is expected to result in an absent or disrupted protein product. However, the current clinical and genetic evidence is not sufficient to establish whether loss-of-function variants in NEBL cause disease. This variant is present in population databases (rs151012132, gnomAD 0.02%). This premature translational stop signal has been observed in individual(s) with Brugada syndrome (PMID: 36303204). ClinVar contains an entry for this variant (Variation ID: 201910). In summary, the available evidence is currently insufficient to determine the role of this variant in disease. Therefore, it has been classified as a Variant of Uncertain Significance.

GeneDx
Classification: Uncertain significance. Last evaluated: 2023-03-08. Review status: criteria provided, single submitter. Criteria: GeneDx Variant Classification Process June 2021. Collection method: clinical testing. Allele origin: germline. Affected: yes.
Comment: Has not been previously published as pathogenic or benign to our knowledge; Nonsense variant predicted to result in protein truncation or nonsense mediated decay in a gene or region of a gene for which loss of function is not a well-established mechanism of disease; Variants in candidate genes are classified as variants of uncertain significance in accordance with ACMG guidelines (Richards et al., 2015)

Literature cited by the submitters: PubMed 36303204 (cited by Labcorp Genetics (formerly Invitae), Labcorp).